The following is an entry in ClinVar:

ClinVar aggregate classification (germline): Uncertain significance (1 of 4 stars; one submission).

Submission:

GeneDx
Classification: Uncertain significance. Last evaluated: 2024-01-30. Review status: criteria provided, single submitter. Criteria: GeneDx Variant Classification Process June 2021. Collection method: clinical testing. Allele origin: germline. Affected: yes.
Comment: Not observed at significant frequency in large population cohorts (gnomAD); In silico analysis supports that this missense variant has a deleterious effect on protein structure/function; Has not been previously published as pathogenic or benign to our knowledge

NM_001256012.3(MYH10):c.3632A>C (p.Lys1211Thr)

Gene: MYH10 (myosin heavy chain 10; minus strand). Cytogenetic location: 17p13.1.
Variant type: single nucleotide variant.
Coding change: c.3632A>C on transcript NM_001256012.3 (MANE Select); coding-DNA position 3632, A replaced by C.
Protein change: p.Lys1211Thr; replaces lysine 1211 with threonine.
Molecular consequence: missense variant.
Genome position (GRCh38, 1-based): chr17:8,500,938, T>G on the plus strand (A>C on the coding strand, the complement: MYH10 is on the minus strand). VCF-style: chr17-8500938-T-G. GRCh37 (hg19) VCF-style: chr17-8404256-T-G.
Other names: c.3566A>C, p.Lys1189Thr (NM_001256095.2); c.3569A>C, p.Lys1190Thr (NM_001375266.1); c.3539A>C, p.Lys1180Thr (NM_005964.5); short protein forms K1180T, K1189T, K1190T, K1211T.
Identifiers: ClinVar variation 3368606 (VCV003368606.1).